The following is an entry in ClinVar:

ClinVar aggregate classification (germline): Likely pathogenic (1 of 4 stars; one submission).

Submission:

Labcorp Genetics (formerly Invitae), Labcorp
Classification: Likely pathogenic. Last evaluated: 2024-09-22. Review status: criteria provided, single submitter. Criteria: Invitae Variant Classification Sherloc (09022015). Collection method: clinical testing. Allele origin: germline.
Comment: This variant results in the deletion of part of exon 8 (c.527-4_532del) of the GNPTG gene. It is expected to disrupt RNA splicing. Variants that disrupt the donor or acceptor splice site typically lead to a loss of protein function (PMID: 16199547), and loss-of-function variants in GNPTG are known to be pathogenic (PMID: 19370764, 20301784). This variant is not present in population databases (gnomAD no frequency). This variant has not been reported in the literature in individuals affected with GNPTG-related conditions. ClinVar contains an entry for this variant (Variation ID: 845267). In summary, the currently available evidence indicates that the variant is pathogenic, but additional data are needed to prove that conclusively. Therefore, this variant has been classified as Likely Pathogenic.

Literature cited by the submitters: PubMed 16199547; PubMed 19370764; PubMed 20301784.

NM_032520.5(GNPTG):c.527-4_532del

Gene: GNPTG (N-acetylglucosamine-1-phosphate transferase subunit gamma; plus strand). Cytogenetic location: 16p13.3.
Variant type: Deletion.
Coding change: c.527-4_532del on transcript NM_032520.5 (MANE Select); 4 bases into the intron before coding-DNA position 527 through coding-DNA position 532, 10 bases deleted (TCAGTGTACC; older notation c.527-4_532delTCAGTGTACC).
Molecular consequence: splice acceptor variant.
Genome position (GRCh38, 1-based): chr16:1,362,448-1,362,457, TCAGTGTACC deleted; deleting any 10 consecutive bases within chr16:1,362,446-1,362,457 gives the same sequence; the c. name uses the placement nearest the transcript's 3' end. VCF-style (leftmost placement, unchanged base first): chr16-1362445-TCCTCAGTGTA-T. GRCh37 (hg19) VCF-style: chr16-1412446-TCCTCAGTGTA-T.
Identifiers: ClinVar variation 845267 (VCV000845267.7), dbSNP rs2034916882, ClinGen allele CA916083468.